The following is an entry in ClinVar:

ClinVar aggregate classification (somatic clinical impact): Tier I - Strong. Review status: criteria provided, single submitter (1 of 4 stars). 3 submissions from 1 submitter. Last evaluated 2025-10-31.
ClinVar aggregate classification (oncogenicity): Oncogenic (1 of 4 stars; one submission).

Conditions:
IDH-wildtype glioblastoma. Identifiers: MedGen CN372125, MONDO:0850335.
Diffuse midline glioma, H3 K27M-mutant. Identifiers: MedGen C4289688, MONDO:0957196.
Diffuse pediatric-type high-grade glioma, H3-wildtype and IDH-wildtype. Identifiers: MedGen C5669918, MONDO:0858939.
Neoplasm. Also called: Neoplasms; Neoplasm (disease); tumor. Identifiers: MedGen C0027651, MeSH D009369, MONDO:0005070, HP:0002664.

Submissions (4):

Institute for Genomic Medicine (IGM) Clinical Laboratory, Nationwide Children's Hospital
Classification: Tier I - Strong for Diffuse pediatric-type high-grade glioma, H3-wildtype and IDH-wildtype. Assertion type: diagnostic. Clinical significance: supports diagnosis. Last evaluated: 2025-10-31. Review status: criteria provided, single submitter. Criteria: AMP/ASCO/CAP Guidelines, 2017. Collection method: clinical testing. Allele origin: somatic. Affected: yes.
Comment: Variant has Tier I (strong) clinical significance as a diagnostic inclusion criterion in diffuse pediatric-type high-grade glioma, H3-wildtype and IDH-wildtype, based on the following evidence: 1) Documented in one or more cancer databases (e.g., St. Jude Pecan, COSMIC, CIViC, OncoKB). 2) Appears in one or more well-established professional guidelines (e.g., World Health Organization [WHO]; National Comprehensive Cancer Network [NCCN]) as providing diagnostic, prognostic, or therapeutic information. 3) Information in the literature supports potential biologic effect of variant (PMIDs: 22588883, 17177598, 29141884). 4) Diagnostic for a specific tumor type/classification based on well-powered studies with expert-level consensus (Evidence Level B; PMIDs: 28966033, 24705251, 29763623, 28912153, 35332262, 28401334, 40063504).

Center for Genomic Medicine, Rigshospitalet, Copenhagen University Hospital
Classification: Oncogenic for Neoplasm. Last evaluated: 2025-03-04. Review status: criteria provided, single submitter. Criteria: ClinGen/CGC/VICC Guidelines for Oncogenicity, 2022. Collection method: clinical testing. Allele origin: somatic. Affected: yes.

Institute for Genomic Medicine (IGM) Clinical Laboratory, Nationwide Children's Hospital
Classification: Tier I - Strong for IDH-wildtype glioblastoma. Assertion type: diagnostic. Clinical significance: supports diagnosis. Last evaluated: 2024-12-20. Review status: criteria provided, single submitter. Criteria: AMP/ASCO/CAP Guidelines, 2017. Collection method: clinical testing. Allele origin: somatic. Affected: yes.
Comment: Variant has Tier I (strong) clinical significance as a diagnostic inclusion criterion in IDH-wildtype glioblastoma, based on the following evidence: 1) Documented in one or more cancer databases (e.g., St. Jude Pecan, COSMIC, CIViC, OncoKB). 2) Appears in one or more well-established professional guidelines (e.g., World Health Organization [WHO]; National Comprehensive Cancer Network [NCCN]) as providing diagnostic, prognostic, or therapeutic information. 3) Information in the literature supports potential biologic effect of variant (PMIDs: 32303840, 17177598). 4) Diagnostic for a specific tumor type/classification based on well-powered studies with expert-level consensus (Evidence Level B; PMIDs: 28966033, 29763623, 24705251, 28912153, 25219808).

Institute for Genomic Medicine (IGM) Clinical Laboratory, Nationwide Children's Hospital
Classification: Tier I - Strong for Diffuse midline glioma, H3 K27M-mutant. Assertion type: diagnostic. Clinical significance: supports diagnosis. Last evaluated: 2024-11-12. Review status: criteria provided, single submitter. Criteria: AMP/ASCO/CAP Guidelines, 2017. Collection method: clinical testing. Allele origin: somatic. Affected: yes.
Comment: Variant has Tier I (strong) clinical significance as a diagnostic inclusion criterion in diffuse midline glioma, H3 K27M-mutant, based on the following evidence: 1) Documented in one or more cancer databases (e.g., St. Jude Pecan, COSMIC, CIViC, OncoKB). 2) Appears in one or more well-established professional guidelines (e.g., World Health Organization [WHO]; National Comprehensive Cancer Network [NCCN]) as providing diagnostic, prognostic, or therapeutic information. 3) Information in the literature supports potential biologic effect of variant (PMIDs: 17177598, 32303840). 4) Diagnostic for a specific tumor type/classification according to professional guidelines (Evidence Level A; PMIDs: 33130881, 32303840, 28966033, 24705251, 29763623, 28912153).

Literature cited by the submitters: PubMed 22588883 (cited by Institute for Genomic Medicine (IGM) Clinical Laboratory, Nationwide Children's Hospital); PubMed 17177598 (cited by Institute for Genomic Medicine (IGM) Clinical Laboratory, Nationwide Children's Hospital and Center for Genomic Medicine, Rigshospitalet, Copenhagen University Hospital); PubMed 29141884 (cited by Institute for Genomic Medicine (IGM) Clinical Laboratory, Nationwide Children's Hospital); PubMed 28966033 (cited by Institute for Genomic Medicine (IGM) Clinical Laboratory, Nationwide Children's Hospital); PubMed 24705251 (cited by Institute for Genomic Medicine (IGM) Clinical Laboratory, Nationwide Children's Hospital); PubMed 29763623 (cited by Institute for Genomic Medicine (IGM) Clinical Laboratory, Nationwide Children's Hospital); PubMed 28912153 (cited by Institute for Genomic Medicine (IGM) Clinical Laboratory, Nationwide Children's Hospital); PubMed 35332262 (cited by Institute for Genomic Medicine (IGM) Clinical Laboratory, Nationwide Children's Hospital); PubMed 28401334 (cited by Institute for Genomic Medicine (IGM) Clinical Laboratory, Nationwide Children's Hospital); PubMed 40063504 (cited by Institute for Genomic Medicine (IGM) Clinical Laboratory, Nationwide Children's Hospital); PubMed 29533785 (cited by Center for Genomic Medicine, Rigshospitalet, Copenhagen University Hospital); PubMed 35140400 (cited by Center for Genomic Medicine, Rigshospitalet, Copenhagen University Hospital); PubMed 36044040 (cited by Center for Genomic Medicine, Rigshospitalet, Copenhagen University Hospital); PubMed 29990498 (cited by Center for Genomic Medicine, Rigshospitalet, Copenhagen University Hospital); PubMed 32303840 (cited by Institute for Genomic Medicine (IGM) Clinical Laboratory, Nationwide Children's Hospital); PubMed 25219808 (cited by Institute for Genomic Medicine (IGM) Clinical Laboratory, Nationwide Children's Hospital); PubMed 33130881 (cited by Institute for Genomic Medicine (IGM) Clinical Laboratory, Nationwide Children's Hospital).

NM_005228.5(EGFR):c.866C>T (p.Ala289Val)

Gene: EGFR (epidermal growth factor receptor; plus strand). Cytogenetic location: 7p11.2.
Variant type: single nucleotide variant.
Coding change: c.866C>T on transcript NM_005228.5 (MANE Select); coding-DNA position 866, C replaced by T.
Protein change: p.Ala289Val; replaces alanine 289 with valine.
Molecular consequence: missense variant. On other transcripts: intron variant (1).
Genome position (GRCh38, 1-based): chr7:55,154,129, C>T. VCF-style: chr7-55154129-C-T. GRCh37 (hg19) VCF-style: chr7-55221822-C-T.
Other names: c.731C>T, p.Ala244Val (NM_001346897.2, NM_001346899.2); c.866C>T, p.Ala289Val (NM_001346898.2, NM_201282.2, NM_201283.2 and 1 more transcripts); c.707C>T, p.Ala236Val (NM_001346900.2); c.89-1701C>T (NM_001346941.2); short protein forms A289V, A244V, A236V.
Identifiers: ClinVar variation 376209 (VCV000376209.4), dbSNP rs149840192, ClinGen allele CA16602664.